The following is an entry in ClinVar:

ClinVar aggregate classification (germline): Pathogenic (1 of 4 stars; one submission).

Submission:

GeneDx
Classification: Pathogenic. Last evaluated: 2026-07-28. Review status: criteria provided, single submitter. Criteria: GeneDx Variant Classification Process June 2021. Collection method: clinical testing. Allele origin: germline.
Comment: Frameshift variant predicted to result in protein truncation or nonsense mediated decay in a gene for which loss-of-function is a known mechanism of disease; Not observed at significant frequency in large population cohorts (gnomAD); Has not been previously published as pathogenic or benign to our knowledge

NM_001009944.3(PKD1):c.954_976del (p.Pro319fs)

Gene: PKD1 (polycystin 1, transient receptor potential channel interacting; minus strand). Cytogenetic location: 16p13.3.
Variant type: Deletion.
Coding change: c.954_976del on transcript NM_001009944.3 (MANE Select); coding-DNA positions 954 to 976, 23 bases deleted (GCCGGCTGCCTCGCATCGCTATG).
Protein change: p.Pro319fs; shifts the reading frame from proline 319.
Molecular consequence: frameshift variant.
Genome position (GRCh38, 1-based): chr16:2,118,016-2,118,038, CATAGCGATGCGAGGCAGCCGGC deleted on the plus strand (GCCGGCTGCCTCGCATCGCTATG on the coding strand, the reverse complement: PKD1 is on the minus strand); deleting any 23 consecutive bases within chr16:2,118,016-2,118,039 gives the same sequence; the c. name uses the placement nearest the transcript's 3' end. VCF-style (leftmost placement, unchanged base first): chr16-2118015-ACATAGCGATGCGAGGCAGCCGGC-A. GRCh37 (hg19) VCF-style: chr16-2168016-ACATAGCGATGCGAGGCAGCCGGC-A.
Other names: c.954_976del, p.Pro319fs (NM_000296.4); short protein forms P319fs.
Identifiers: ClinVar variation 1343074 (VCV001343074.5), dbSNP rs2151823424, ClinGen allele CA2573054191.
Genomic context (GRCh38, chr16:2,118,015, plus strand): 5'-AGCAGGGCTGAGCCGGCCCCCAGGGCCAGCACGGCCGTCACGTGATAGCGCCCAGGCAGC[ACATAGCGATGCGAGGCAGCCGGC>A]CCAGCGGCATCCACCTCGGCGGAGCCGTCTCCGAAGTCCCAGCGTGTGGCAGTGACAGGG-3'